The following is an entry in ClinVar:

NM_001128840.3(CACNA1D):c.3812C>T (p.Thr1271Met)

Gene: CACNA1D (calcium voltage-gated channel subunit alpha1 D; plus strand). Cytogenetic location: 3p21.1.
Variant type: single nucleotide variant.
Coding change: c.3812C>T on transcript NM_001128840.3 (MANE Select); coding-DNA position 3812, C replaced by T.
Protein change: p.Thr1271Met; replaces threonine 1271 with methionine.
Molecular consequence: missense variant.
Genome position (GRCh38, 1-based): chr3:53,762,023, C>T. VCF-style: chr3-53762023-C-T. GRCh37 (hg19) VCF-style: chr3-53796050-C-T.
Other names: c.3872C>T, p.Thr1291Met (NM_000720.4); c.3812C>T, p.Thr1271Met (NM_001128839.3); short protein forms T1291M, T1271M.
Identifiers: ClinVar variation 2109534 (VCV002109534.4), dbSNP rs1340795572, ClinGen allele CA353254268.

ClinVar aggregate classification (germline): Uncertain significance (1 of 4 stars; one submission).

Allele frequency attached by ClinVar (database versions not stated): gnomAD exomes below 0.00001; TOPMed 0.00001.
gnomAD v4.1: 7 of 1,613,428 alleles (0.00043%); highest among the groups gnomAD compares: East Asian, 0.0045%; no homozygotes.

Submission:

Labcorp Genetics (formerly Invitae), Labcorp
Classification: Uncertain significance. Last evaluated: 2024-08-07. Review status: criteria provided, single submitter. Criteria: Invitae Variant Classification Sherloc (09022015). Collection method: clinical testing. Allele origin: germline.
Comment: This sequence change replaces threonine, which is neutral and polar, with methionine, which is neutral and non-polar, at codon 1291 of the CACNA1D protein (p.Thr1291Met). This variant is not present in population databases (gnomAD no frequency). This variant has not been reported in the literature in individuals affected with CACNA1D-related conditions. ClinVar contains an entry for this variant (Variation ID: 2109534). Advanced modeling of protein sequence and biophysical properties (such as structural, functional, and spatial information, amino acid conservation, physicochemical variation, residue mobility, and thermodynamic stability) performed at Invitae indicates that this missense variant is not expected to disrupt CACNA1D protein function with a negative predictive value of 80%. In summary, the available evidence is currently insufficient to determine the role of this variant in disease. Therefore, it has been classified as a Variant of Uncertain Significance.